The following is an entry in ClinVar:

NM_005445.4(SMC3):c.1942A>G (p.Met648Val)

Gene: SMC3 (structural maintenance of chromosomes 3; plus strand). Cytogenetic location: 10q25.2.
Variant type: single nucleotide variant.
Coding change: c.1942A>G on transcript NM_005445.4 (MANE Select); coding-DNA position 1942, A replaced by G.
Protein change: p.Met648Val; replaces methionine 648 with valine.
Molecular consequence: missense variant.
Genome position (GRCh38, 1-based): chr10:110,593,202, A>G. VCF-style: chr10-110593202-A-G. GRCh37 (hg19) VCF-style: chr10-112352960-A-G.
Other names: short protein forms M648V.
Identifiers: ClinVar variation 279893 (VCV000279893.9), dbSNP rs886041239, ClinGen allele CA10603115.

ClinVar aggregate classification (germline): Pathogenic/Likely pathogenic. Review status: criteria provided, multiple submitters, no conflicts (2 of 4 stars). 4 submissions from 4 submitters: Pathogenic (3); Likely pathogenic (1). Last evaluated 2025-08-21.

Conditions:
Cornelia de Lange syndrome 3 (CDLS3). Also called: SMC3-Related Cornelia de Lange Syndrome; CORNELIA DE LANGE SYNDROME 3 WITH OR WITHOUT MIDLINE BRAIN DEFECTS. Identifiers: Orphanet 199, MedGen C1853099, MONDO:0012555, OMIM 610759.
Intellectual disability. Also called: Intellectual functioning disability; intellectual disabilities; Intellectual developmental disorder. Identifiers: MedGen C3714756, MeSH D008607, MONDO:0001071, HP:0001249.

Submissions (4):

Labcorp Genetics (formerly Invitae), Labcorp
Classification: Pathogenic for Cornelia de Lange syndrome 3. Last evaluated: 2025-08-21. Review status: criteria provided, single submitter. Criteria: Invitae Variant Classification Sherloc (09022015). Collection method: clinical testing. Allele origin: germline.
Comment: This sequence change replaces methionine, which is neutral and non-polar, with valine, which is neutral and non-polar, at codon 648 of the SMC3 protein (p.Met648Val). This variant is not present in population databases (gnomAD no frequency). This missense change has been observed in individual(s) with SMC3-related conditions (PMID: 34659104; internal data). In at least one individual the variant was observed to be de novo. ClinVar contains an entry for this variant (Variation ID: 279893). Invitae Evidence Modeling of protein sequence and biophysical properties (such as structural, functional, and spatial information, amino acid conservation, physicochemical variation, residue mobility, and thermodynamic stability) has been performed for this missense variant. However, the output from this modeling did not meet the statistical confidence thresholds required to predict the impact of this variant on SMC3 protein function. For these reasons, this variant has been classified as Pathogenic.

3billion
Classification: Pathogenic for Cornelia de Lange syndrome 3. Last evaluated: 2022-03-22. Review status: criteria provided, single submitter. Criteria: ACMG Guidelines, 2015. Collection method: clinical testing. Allele origin: germline. Affected: yes. Observed: 1 heterozygote.
Comment: Same or different nucleotide change resulting in same amino acid change has been previously reported as pathogenic/likely pathogenic with strong evidence (ClinVar ID: VCV000279893, PMID:26633542). The variant has been previously reported as de novo in a similarly affected individual (PMID: 26633542). A missense variant is a common mechanism . It is not observed in the gnomAD v2.1.1 dataset. Therefore, this variant is classified as pathogenic according to the recommendation of ACMG/AMP guideline.

Medical Genetics Lab, Policlinico S. Orsola.Malpighi
Classification: Likely pathogenic for Intellectual disability. Last evaluated: 2018-11-09. Review status: criteria provided, single submitter. Criteria: ACMG Guidelines, 2015. Collection method: clinical testing. Allele origin: de novo. Inheritance: Sporadic. Affected: yes. Observed: 1 heterozygote.
Comment: The Met648Val variant in SMC3 is extremely rare (never reported in GnomAD exomes and genomes) and missense variants of this gene are a known cause of disease. On the other hand, prediction scores are conflicting (MutationTaster: disease-causing; SIFT: tolerated) and the clinical picture of this patient is not reminiscent of Cornelia de Lange syndrome. We interpret Met648Val as a likely pathogenic variant.

GeneDx
Classification: Pathogenic. Last evaluated: 2016-08-04. Review status: criteria provided, single submitter. Criteria: GeneDx Variant Classification (06012015). Collection method: clinical testing. Allele origin: germline. Affected: yes.
Comment: The M648V pathogenic variant in the SMC3 gene has been reported previously as a somatic variant in a head and neck squamous cell carcinoma, but has not been reported in the germline (Stransky et al., 2011). The M648V variant was not observed in approximately 6,500 individuals of European and African American ancestry in the NHLBI Exome Sequencing Project, indicating it is not a common benign variant in these populations. The M648V variant is a conservative amino acid substitution, which is not likely to impact secondary protein structure as these residues share similar properties. However, this substitution occurs at a position that is conserved across species. In silico analysis is inconsistent in its predictions as to whether or not the variant is damaging to the protein structure/function. The M648V variant is located within the flexible hinge region of the protein, which is essential for protein function (Gruber et al., 2006). We interpret M648V as a pathogenic variant.

Literature cited by the submitters: PubMed 34659104 (cited by Labcorp Genetics (formerly Invitae), Labcorp); PubMed 26633542 (cited by 3billion).